The following is an entry in ClinVar:

ClinVar aggregate classification (germline): Uncertain significance. Review status: criteria provided, multiple submitters, no conflicts (2 of 4 stars). 2 submissions from 2 submitters: Uncertain significance (2). Last evaluated 2025-09-30.

gnomAD v4.1: 42 of 1,614,016 alleles (0.0026%); highest among the groups gnomAD compares: Non-Finnish European, 0.0033%; no homozygotes.

Submissions (2):

GeneDx
Classification: Uncertain significance. Last evaluated: 2025-09-30. Review status: criteria provided, single submitter. Criteria: GeneDx Variant Classification Process June 2021. Collection method: clinical testing. Allele origin: germline.
Comment: Not observed at significant frequency in large population cohorts (gnomAD); In silico analysis supports that this missense variant has a deleterious effect on protein structure/function; Has not been previously published as pathogenic or benign to our knowledge

Ambry Genetics
Classification: Uncertain significance. Last evaluated: 2025-01-08. Review status: criteria provided, single submitter. Criteria: Ambry Variant Classification Scheme 2023. Collection method: clinical testing. Allele origin: germline.

NM_001347886.2(DNAH3):c.6727C>T (p.Pro2243Ser)

Gene: DNAH3 (dynein axonemal heavy chain 3; minus strand). Cytogenetic location: 16p12.3.
Variant type: single nucleotide variant.
Coding change: c.6727C>T on transcript NM_001347886.2 (MANE Select); coding-DNA position 6727, C replaced by T.
Protein change: p.Pro2243Ser; replaces proline 2243 with serine.
Molecular consequence: missense variant.
Genome position (GRCh38, 1-based): chr16:20,987,710, G>A on the plus strand (C>T on the coding strand, the complement: DNAH3 is on the minus strand). VCF-style: chr16-20987710-G-A. GRCh37 (hg19) VCF-style: chr16-20999032-G-A.
Other names: c.6865C>T (NM_017539.1); c.6865C>T, p.Pro2289Ser (NM_017539.2); short protein forms P2243S, P2289S.
Identifiers: ClinVar variation 3774921 (VCV003774921.3).